The following is an entry in ClinVar:

NM_001397406.1(FDX2):c.-6C>T

Genes: FDX2-ZGLP1 (FDX2-ZGLP1 readthrough (NMD candidate); minus strand), FDX2 (ferredoxin 2; minus strand). Cytogenetic location: 19p13.2.
Variant type: single nucleotide variant.
Coding change: c.-6C>T on transcript NM_001397406.1 (MANE Select); 6 bases upstream of the start codon, C replaced by T.
Molecular consequence: 5 prime UTR variant.
Genome position (GRCh38, 1-based): chr19:10,316,002, G>A on the plus strand (C>T on the coding strand, the complement: FDX2 is on the minus strand). VCF-style: chr19-10316002-G-A. GRCh37 (hg19) VCF-style: chr19-10426678-G-A.
Other names: p.His2Tyr; c.4C>T (NM_001031734.4).
Identifiers: ClinVar variation 1498229 (VCV001498229.5), dbSNP rs369997351, ClinGen allele CA9191389.
Genomic context (GRCh38, chr19:10,316,002, plus strand): 5'-CAGCCTGCAGTAGAACCCTGGCACTCACGCCTCCCCGGGCCATGGAGGCGGCCATGACAT[G>A]CATCACGTGACTCACCGACTGAGCATGCGCCGCGCCAGGGAGGCGAGGGAAAGCCCATAA-3'

ClinVar aggregate classification (germline): Uncertain significance. Review status: criteria provided, multiple submitters, no conflicts (2 of 4 stars). 3 submissions from 3 submitters: Uncertain significance (3). Last evaluated 2025-04-03.

Allele frequency attached by ClinVar (database versions not stated): ExAC 0.00005; ESP Exome Variant Server 0.00008; TOPMed 0.00016; 1000 Genomes Project 30x 0.00031; 1000 Genomes Project 0.00040.

Submissions (3):

Mayo Clinic Laboratories, Mayo Clinic
Classification: Uncertain significance. Last evaluated: 2025-04-03. Review status: criteria provided, single submitter. Criteria: ACMG Guidelines, 2015. Collection method: clinical testing. Allele origin: germline. Observed: 1 variant allele.
Comment: BP4_strong

Blueprint Genetics
Classification: Uncertain significance. Last evaluated: 2024-06-24. Review status: criteria provided, single submitter. Criteria: ACMG Guidelines, 2015. Collection method: clinical testing. Allele origin: germline.

Labcorp Genetics (formerly Invitae), Labcorp
Classification: Uncertain significance. Last evaluated: 2022-07-13. Review status: criteria provided, single submitter. Criteria: Invitae Variant Classification Sherloc (09022015). Collection method: clinical testing. Allele origin: germline.
Comment: This sequence change replaces histidine, which is basic and polar, with tyrosine, which is neutral and polar, at codon 2 of the FDX2 protein (p.His2Tyr). This variant is present in population databases (rs369997351, gnomAD 0.03%). This variant has not been reported in the literature in individuals affected with FDX2-related conditions. ClinVar contains an entry for this variant (Variation ID: 1498229). Algorithms developed to predict the effect of missense changes on protein structure and function are either unavailable or do not agree on the potential impact of this missense change (SIFT: "Tolerated"; PolyPhen-2: "Not Available"; Align-GVGD: "Class C0"). Algorithms developed to predict the effect of sequence changes on RNA splicing suggest that this variant may create or strengthen a splice site. In summary, the available evidence is currently insufficient to determine the role of this variant in disease. Therefore, it has been classified as a Variant of Uncertain Significance.